The following is an entry in ClinVar:

ClinVar aggregate classification (germline): Likely benign (1 of 4 stars; one submission).

Submission:

GeneDx
Classification: Likely benign. Last evaluated: 2017-10-05. Review status: criteria provided, single submitter. Criteria: GeneDx Variant Classification (06012015). Collection method: clinical testing. Allele origin: germline. Affected: yes.
Comment: This variant is considered likely benign or benign based on one or more of the following criteria: it is a conservative change, it occurs at a poorly conserved position in the protein, it is predicted to be benign by multiple in silico algorithms, and/or has population frequency not consistent with disease.

NM_000421.3(KRT10):c.1624_1640del17ins20 (p.?)

Gene: KRT10 (keratin 10; minus strand). Cytogenetic location: 17q21.2.
Variant type: Indel.
Coding change: c.1624_1640del17ins20 on transcript NM_000421.3; coding-DNA positions 1624 to 1640, 17 bases deleted.
Protein change: p.?.
Identifiers: ClinVar variation 512647 (VCV000512647.1).